The following is an entry in ClinVar:

NM_005956.4(MTHFD1):c.53C>T (p.Ala18Val)

Gene: MTHFD1 (methylenetetrahydrofolate dehydrogenase, cyclohydrolase and formyltetrahydrofolate synthetase 1; plus strand). Cytogenetic location: 14q23.3.
Variant type: single nucleotide variant.
Coding change: c.53C>T on transcript NM_005956.4 (MANE Select); coding-DNA position 53, C replaced by T.
Protein change: p.Ala18Val; replaces alanine 18 with valine.
Molecular consequence: missense variant.
Genome position (GRCh38, 1-based): chr14:64,400,804, C>T. VCF-style: chr14-64400804-C-T. GRCh37 (hg19) VCF-style: chr14-64867522-C-T.
Other names: c.53C>T, p.Ala18Val (NM_001364837.1); short protein forms A18V.
Identifiers: ClinVar variation 791428 (VCV000791428.28), dbSNP rs151019303, ClinGen allele CA7225822.

ClinVar aggregate classification (germline): Likely benign. Review status: criteria provided, multiple submitters, no conflicts (2 of 4 stars). 4 submissions from 4 submitters: Likely benign (3). 1 of the submissions does not count toward it. Last evaluated 2026-09-01.

Conditions:
MTHFD1-related disorder. Also called: MTHFD1-related condition.

Allele frequency attached by ClinVar (database versions not stated): TOPMed 0.00330; gnomAD exomes 0.00346; ExAC 0.00353; ESP Exome Variant Server 0.00377; 1000 Genomes Project 0.00180; 1000 Genomes Project 30x 0.00219; gnomAD 0.00323 and 0.00326.
gnomAD v4.1: 6,211 of 1,612,920 alleles (0.39%); highest among the groups gnomAD compares: Middle Eastern, 1%; 19 homozygotes.

Submissions (17):

CeGaT Center for Human Genetics Tuebingen
Classification: Likely benign. Last evaluated: 2026-09-01. Review status: criteria provided, single submitter. Criteria: CeGaT Center For Human Genetics Tuebingen Variant Classification Criteria Version 2. Collection method: clinical testing. Allele origin: germline. Affected: yes. Observed: 7 variant alleles.
Comment: MTHFD1: BP4, BS2

Labcorp Genetics (formerly Invitae), Labcorp
Classification: Likely benign. Last evaluated: 2026-02-02. Review status: criteria provided, single submitter. Criteria: Invitae Variant Classification Sherloc (09022015). Collection method: clinical testing. Allele origin: germline.

Breakthrough Genomics
Classification: Likely benign. Review status: criteria provided, single submitter. Criteria: ACMG Guidelines, 2015. Collection method: not provided. Allele origin: germline. Inheritance: Autosomal dominant inheritance. Affected: yes.

PreventionGenetics, part of Exact Sciences
Classification: Likely benign for MTHFD1-related condition. Last evaluated: 2020-02-24. Review status: no assertion criteria provided. Collection method: clinical testing. Allele origin: germline. Not counted in ClinVar's aggregate classification.
Comment: This variant is classified as likely benign based on ACMG/AMP sequence variant interpretation guidelines (Richards et al. 2015 PMID: 25741868, with internal and published modifications).

Dr. Peter K. Rogan Lab, Western University
No classification provided (evidence only). Condition: Lung cancer. Review status: no classification provided. Collection method: in vitro. Allele origin: not applicable. Functional consequence: skipped exon, retained intron. Not counted in ClinVar's aggregate classification.

Dr. Peter K. Rogan Lab, Western University
No classification provided (evidence only). Condition: Melanoma. Review status: no classification provided. Collection method: in vitro. Allele origin: not applicable. Functional consequence: retained intron. Not counted in ClinVar's aggregate classification.

Dr. Peter K. Rogan Lab, Western University
No classification provided (evidence only). Condition: Familial cancer of breast. Review status: no classification provided. Collection method: in vitro. Allele origin: not applicable. Functional consequence: retained intron. Not counted in ClinVar's aggregate classification.

Dr. Peter K. Rogan Lab, Western University
No classification provided (evidence only). Condition: Sarcoma. Review status: no classification provided. Collection method: in vitro. Allele origin: not applicable. Functional consequence: retained intron. Not counted in ClinVar's aggregate classification.

Dr. Peter K. Rogan Lab, Western University
No classification provided (evidence only). Condition: Sarcoma. Review status: no classification provided. Collection method: in vitro. Allele origin: not applicable. Functional consequence: skipped exon. Not counted in ClinVar's aggregate classification.

Dr. Peter K. Rogan Lab, Western University
No classification provided (evidence only). Condition: Malignant lymphoma, large B-cell, diffuse. Review status: no classification provided. Collection method: in vitro. Allele origin: not applicable. Functional consequence: retained intron. Not counted in ClinVar's aggregate classification.

Dr. Peter K. Rogan Lab, Western University
No classification provided (evidence only). Condition: Nonpapillary renal cell carcinoma. Review status: no classification provided. Collection method: in vitro. Allele origin: not applicable. Functional consequence: retained intron. Not counted in ClinVar's aggregate classification.

Dr. Peter K. Rogan Lab, Western University
No classification provided (evidence only). Condition: Cholangiocarcinoma. Review status: no classification provided. Collection method: in vitro. Allele origin: not applicable. Functional consequence: retained intron. Not counted in ClinVar's aggregate classification.

Dr. Peter K. Rogan Lab, Western University
No classification provided (evidence only). Condition: Ovarian serous cystadenocarcinoma. Review status: no classification provided. Collection method: in vitro. Allele origin: not applicable. Functional consequence: retained intron. Not counted in ClinVar's aggregate classification.

Dr. Peter K. Rogan Lab, Western University
No classification provided (evidence only). Condition: Ovarian serous cystadenocarcinoma. Review status: no classification provided. Collection method: in vitro. Allele origin: not applicable. Functional consequence: retained intron. Not counted in ClinVar's aggregate classification.

Dr. Peter K. Rogan Lab, Western University
No classification provided (evidence only). Condition: Gastric cancer. Review status: no classification provided. Collection method: in vitro. Allele origin: not applicable. Functional consequence: retained intron. Not counted in ClinVar's aggregate classification.

Dr. Peter K. Rogan Lab, Western University
No classification provided (evidence only). Condition: Adrenocortical carcinoma, hereditary. Review status: no classification provided. Collection method: in vitro. Allele origin: not applicable. Functional consequence: retained intron. Not counted in ClinVar's aggregate classification.

Dr. Peter K. Rogan Lab, Western University
No classification provided (evidence only). Condition: Uveal melanoma. Review status: no classification provided. Collection method: in vitro. Allele origin: not applicable. Functional consequence: skipped exon. Not counted in ClinVar's aggregate classification.